The following is an entry in ClinVar:

NM_025137.4(SPG11):c.6526T>C (p.Phe2176Leu)

Gene: SPG11 (SPG11 vesicle trafficking associated, spatacsin; minus strand). Cytogenetic location: 15q21.1.
Variant type: single nucleotide variant.
Coding change: c.6526T>C on transcript NM_025137.4 (MANE Select); coding-DNA position 6526, T replaced by C.
Protein change: p.Phe2176Leu; replaces phenylalanine 2176 with leucine.
Molecular consequence: missense variant.
Genome position (GRCh38, 1-based): chr15:44,569,457, A>G on the plus strand (T>C on the coding strand, the complement: SPG11 is on the minus strand). VCF-style: chr15-44569457-A-G. GRCh37 (hg19) VCF-style: chr15-44861655-A-G.
Other names: c.6187T>C, p.Phe2063Leu (NM_001160227.2); short protein forms F2176L, F2063L.
Identifiers: ClinVar variation 954941 (VCV000954941.16), dbSNP rs752165478, ClinGen allele CA7534086.
Genomic context (GRCh38, chr15:44,569,457, plus strand): 5'-CCGGATCCAACTTCTTCCTCATTAGCACTTCAAAGTAGTGCTTTTTATGCAGCAAATCAA[A>G]TATGTATGTCATCTCGTTGTACCTTCCAATGCCAGTGAGGAGCCGTACCTGTGAAGTGGG-3'
Protein context (NP_079413.3, residues 2166-2186): IGRYNEMTYI[Phe2176Leu]DLLHKKHYFE

ClinVar aggregate classification (germline): Uncertain significance. Review status: criteria provided, multiple submitters, no conflicts (2 of 4 stars). 6 submissions from 4 submitters: Uncertain significance (6). Last evaluated 2026-09-22.

Conditions:
Charcot-Marie-Tooth disease axonal type 2X. Also called: CHARCOT-MARIE-TOOTH DISEASE, AXONAL, AUTOSOMAL RECESSIVE, TYPE 2X; CHARCOT-MARIE-TOOTH NEUROPATHY, TYPE 2X. Identifiers: Orphanet 466775, MedGen C5569024, MONDO:0014726, OMIM 616668.
Amyotrophic lateral sclerosis type 5 (ALS5). Also called: AMYOTROPHIC LATERAL SCLEROSIS 5, JUVENILE. Identifiers: Orphanet 300605, MedGen C1865864, MONDO:0011196, OMIM 602099.
Hereditary spastic paraplegia 11. Also called: SPASTIC PARAPLEGIA, AUTOSOMAL RECESSIVE, COMPLICATED, WITH THIN CORPUS CALLOSUM; SPASTIC PARAPLEGIA, AUTOSOMAL RECESSIVE, WITH MENTAL IMPAIRMENT AND THIN CORPUS CALLOSUM; Spastic Paraplegia 11; Spastic paraplegia, mental retardation and thin corpus callosum; Autosomal recessive hereditary spastic paraplegia, mental impairment, and thin corpus callosum; Nakamura Osame syndrome. Identifiers: Orphanet 2822, MedGen C1858479, MONDO:0011445, OMIM 604360.

Allele frequency attached by ClinVar (database versions not stated): gnomAD exomes 0.00001; ExAC 0.00002; gnomAD 0.00001; TOPMed below 0.00001.
gnomAD v4.1: 9 of 1,606,324 alleles (0.00056%); highest among the groups gnomAD compares: Non-Finnish European, 0.00077%; no homozygotes.

Submissions (6):

GeneDx
Classification: Uncertain significance. Last evaluated: 2026-09-22. Review status: criteria provided, single submitter. Criteria: GeneDx Variant Classification Process June 2021. Collection method: clinical testing. Allele origin: germline.
Comment: Reported previously in a patient with complicated spastic paraplegia who harbored 2 additional SPG11 variants; segregation analysis indicated that the F2176L variant and the Q541X variant were paternally inherited, and the other variant was maternally inherited (PMID: 29246610); Not observed at significant frequency in large population cohorts (gnomAD); In silico analysis supports that this missense variant has a deleterious effect on protein structure/function; This variant is associated with the following publications: (PMID: 25299611, 29246610, 31692161, 41586880)

Labcorp Genetics (formerly Invitae), Labcorp
Classification: Uncertain significance for Hereditary spastic paraplegia 11. Last evaluated: 2025-11-27. Review status: criteria provided, single submitter. Criteria: Invitae Variant Classification Sherloc (09022015). Collection method: clinical testing. Allele origin: germline.
Comment: This sequence change replaces phenylalanine, which is neutral and non-polar, with leucine, which is neutral and non-polar, at codon 2176 of the SPG11 protein (p.Phe2176Leu). This variant is present in population databases (rs752165478, gnomAD 0.003%). This missense change has been observed in individual(s) with hereditary spastic paraplegia and/or amyotrophic lateral sclerosis (PMID: 25299611, 29246610). This variant is also known as F2063L. ClinVar contains an entry for this variant (Variation ID: 954941). Invitae Evidence Modeling of protein sequence and biophysical properties (such as structural, functional, and spatial information, amino acid conservation, physicochemical variation, residue mobility, and thermodynamic stability) indicates that this missense variant is not expected to disrupt SPG11 protein function with a negative predictive value of 80%. In summary, the available evidence is currently insufficient to determine the role of this variant in disease. Therefore, it has been classified as a Variant of Uncertain Significance.

Revvity Omics, Revvity
Classification: Uncertain significance. Last evaluated: 2021-08-10. Review status: criteria provided, single submitter. Criteria: ACMG Guidelines, 2015. Collection method: clinical testing. Allele origin: germline.

Genome-Nilou Lab
Classification: Uncertain significance for Amyotrophic lateral sclerosis type 5. Review status: criteria provided, single submitter. Criteria: ACMG Guidelines, 2015. Collection method: clinical testing. Allele origin: germline.

Genome-Nilou Lab
Classification: Uncertain significance for Charcot-Marie-Tooth disease axonal type 2X. Review status: criteria provided, single submitter. Criteria: ACMG Guidelines, 2015. Collection method: clinical testing. Allele origin: germline.

Genome-Nilou Lab
Classification: Uncertain significance for Hereditary spastic paraplegia 11. Review status: criteria provided, single submitter. Criteria: ACMG Guidelines, 2015. Collection method: clinical testing. Allele origin: germline.

Literature cited by the submitters: PubMed 25299611 (cited by Labcorp Genetics (formerly Invitae), Labcorp); PubMed 29246610 (cited by Labcorp Genetics (formerly Invitae), Labcorp).